The following is an entry in ClinVar:

ClinVar aggregate classification (germline): Uncertain significance (1 of 4 stars; one submission).

Conditions:
Cardiovascular phenotype. Identifiers: MedGen CN230736.

gnomAD v4.1: 19 of 1,526,846 alleles (0.0012%); highest among the groups gnomAD compares: Admixed American, 0.002%; no homozygotes.

Submission:

Ambry Genetics
Classification: Uncertain significance for Cardiovascular phenotype. Last evaluated: 2024-11-10. Review status: criteria provided, single submitter. Criteria: Ambry Variant Classification Scheme 2023. Collection method: clinical testing. Allele origin: germline.
Comment: The p.R927C variant (also known as c.2779C>T), located in coding exon 1 of the ZNF469 gene, results from a C to T substitution at nucleotide position 2779. The arginine at codon 927 is replaced by cysteine, an amino acid with highly dissimilar properties. This amino acid position is conserved. In addition, this alteration is predicted to be tolerated by in silico analysis. Based on the available evidence, the clinical significance of this variant remains unclear.

NM_001367624.2(ZNF469):c.2779C>T (p.Arg927Cys)

Gene: ZNF469 (zinc finger protein 469; plus strand). Cytogenetic location: 16q24.2.
Variant type: single nucleotide variant.
Coding change: c.2779C>T on transcript NM_001367624.2 (MANE Select); coding-DNA position 2779, C replaced by T.
Protein change: p.Arg927Cys; replaces arginine 927 with cysteine.
Molecular consequence: missense variant.
Genome position (GRCh38, 1-based): chr16:88,430,249, C>T. VCF-style: chr16-88430249-C-T. GRCh37 (hg19) VCF-style: chr16-88496657-C-T.
Other names: NM_001127464.1:c.2779C>T; short protein forms R927C.
Identifiers: ClinVar variation 3476272 (VCV003476272.1).